The following is an entry in ClinVar:

ClinVar aggregate classification (germline): Pathogenic/Likely pathogenic. Review status: criteria provided, multiple submitters, no conflicts (2 of 4 stars). 13 submissions from 13 submitters: Pathogenic (9); Likely pathogenic (1). 3 of the submissions do not count toward it. Last evaluated 2025-12-08.

Conditions:
Lennox-Gastaut syndrome. Also called: Epileptic encephalopathy Lennox-Gastaut type. Identifiers: Orphanet 2382, MedGen C0238111, MONDO:0016532.
Megalencephaly-polymicrogyria-polydactyly-hydrocephalus syndrome 3 (MPPH3). Identifiers: Orphanet 83473, MedGen C4014742, MONDO:0014408, OMIM 615938.
Seizure. Also called: Seizures. Identifiers: MedGen C0036572, HP:0001250.

Submissions (13):

Institute of Human Genetics, University of Leipzig Medical Center
Classification: Pathogenic for Megalencephaly-polymicrogyria-polydactyly-hydrocephalus syndrome 3. Last evaluated: 2025-12-08. Review status: criteria provided, single submitter. Criteria: ACMG Guidelines, 2015. Collection method: clinical testing. Allele origin: unknown. Inheritance: Autosomal dominant inheritance. Affected: yes.
Comment: Criteria applied: PS2,PS4,PM5_STR,PM2_SUP,PP3

3billion
Classification: Pathogenic for Megalencephaly-polymicrogyria-polydactyly-hydrocephalus syndrome 3. Last evaluated: 2024-03-08. Review status: criteria provided, single submitter. Criteria: ACMG Guidelines, 2015. Collection method: clinical testing. Allele origin: germline. Affected: yes.
Comment: The variant is not observed in the gnomAD v2.1.1 dataset. Predicted Consequence/Location: Missense variant In silico tool predictions suggest damaging effect of the variant on gene or gene product [REVEL: 0.79 (>=0.6, sensitivity 0.68 and specificity 0.92); 3Cnet: 0.89 (>=0.6, sensitivity 0.72 and precision 0.9)]. Same nucleotide change resulting in same amino acid change has been previously reported as pathogenic/likely pathogenic with strong evidence (ClinVar ID: VCV000143983 /PMID: 24705253). The variant has been previously reported as assumed (i.e. paternity and maternity not confirmed) de novo in at least two similarly affected unrelated individuals (PMID: 24705253). Different missense changes at the same codon (p.Thr280Ala, p.Thr280Ile) have been reported as pathogenic/likely pathogenic with strong evidence (ClinVar ID: VCV000143981, VCV000666559 /PMID: 24705253, 29642246). Therefore, this variant is classified as Pathogenic according to the recommendation of ACMG/AMP guideline.

GeneDx
Classification: Pathogenic. Last evaluated: 2023-09-27. Review status: criteria provided, single submitter. Criteria: GeneDx Variant Classification Process June 2021. Collection method: clinical testing. Allele origin: germline. Affected: yes.
Comment: In silico analysis supports that this missense variant has a deleterious effect on protein structure/function; Not observed at significant frequency in large population cohorts (gnomAD); This variant is associated with the following publications: (PMID: 24705253, 32371413)

Labcorp Genetics (formerly Invitae), Labcorp
Classification: Pathogenic. Last evaluated: 2023-05-23. Review status: criteria provided, single submitter. Criteria: Invitae Variant Classification Sherloc (09022015). Collection method: clinical testing. Allele origin: germline.
Comment: ClinVar contains an entry for this variant (Variation ID: 143983). For these reasons, this variant has been classified as Pathogenic. This variant disrupts the p.Thr280 amino acid residue in CCND2. Other variant(s) that disrupt this residue have been determined to be pathogenic (PMID: 31056854). This suggests that this residue is clinically significant, and that variants that disrupt this residue are likely to be disease-causing. Advanced modeling of protein sequence and biophysical properties (such as structural, functional, and spatial information, amino acid conservation, physicochemical variation, residue mobility, and thermodynamic stability) performed at Invitae indicates that this missense variant is expected to disrupt CCND2 protein function. This missense change has been observed in individual(s) with megalencephaly-polymicrogyria-polydactyly-hydrocephalus syndrome (PMID: 24705253). In at least one individual the variant was observed to be de novo. This variant is not present in population databases (gnomAD no frequency). This sequence change replaces threonine, which is neutral and polar, with asparagine, which is neutral and polar, at codon 280 of the CCND2 protein (p.Thr280Asn).

Unidad de Genómica Garrahan, Hospital de Pediatría Garrahan
Classification: Pathogenic for Lennox-Gastaut syndrome. Last evaluated: 2023-01-01. Review status: criteria provided, single submitter. Criteria: ACMG Guidelines, 2015. Collection method: clinical testing. Allele origin: germline. Affected: yes. Observed: 1 variant allele.
Comment: PS2, PM1, PM2, PM5, PP3.

CeGaT Center for Human Genetics Tuebingen
Classification: Pathogenic. Last evaluated: 2022-04-01. Review status: criteria provided, single submitter. Criteria: CeGaT Center For Human Genetics Tuebingen Variant Classification Criteria Version 2. Collection method: clinical testing. Allele origin: germline. Affected: yes. Observed: 1 variant allele.
Comment: CCND2: PM6:Strong, PM1, PM2, PM5, PS4:Moderate

Institute of Human Genetics, Clinical Exome/Genome Diagnostics Group, University Hospital Bonn
Classification: Likely pathogenic for Megalencephaly-polymicrogyria-polydactyly-hydrocephalus syndrome 3. Last evaluated: 2021-11-09. Review status: criteria provided, single submitter. Criteria: ACMG Guidelines, 2015. Collection method: clinical testing. Allele origin: germline. Affected: yes.
Comment: PS4_moderate, PM1, PM2, PP3

Baylor Genetics
Classification: Pathogenic for Megalencephaly-polymicrogyria-polydactyly-hydrocephalus syndrome 3. Last evaluated: 2019-01-10. Review status: criteria provided, single submitter. Criteria: ACMG Guidelines, 2015. Collection method: clinical testing. Allele origin: de novo. Affected: yes.
Comment: This variant was determined to be pathogenic according to ACMG Guidelines, 2015 [PMID:25741868]. This variant has been previously reported to occur de novo in three patients with MPPH [PMID 24705253]

Broad Center for Mendelian Genomics, Broad Institute of MIT and Harvard
Classification: Pathogenic for Megalencephaly-polymicrogyria-polydactyly-hydrocephalus syndrome 3. Last evaluated: 2018-12-03. Review status: criteria provided, single submitter. Criteria: ACMG Guidelines, 2015. Collection method: research. Allele origin: de novo. Inheritance: Autosomal dominant inheritance. Affected: yes.
Comment: Trio exome analysis showed this variant to be de novo. The variant was absent from large population studies. Computational prediction tools and conservation analyses suggest that this variant may impact the protein, though this information is not predictive enough to determine pathogenicity. The p.Thr280Asn variant in CCND2 has been reported in 5 individuals with megalencephaly-polymicrogyria-polydactyly-hydrocephalus syndrome. Trio analysis in the literature showed this variant to be de novo in 4 of those individuals and unknown in one individual (PMID: 24705253). In summary, the p.Thr280Asn variant is pathogenic based off of our findings and multiple de novo reports in the literature. ACMG/AMP Criteria applied: PM2, PS2, PM6_Strong, PP3 (Richards 2015).

Institute for Genomic Medicine (IGM) Clinical Laboratory, Nationwide Children's Hospital
Classification: Pathogenic for Megalencephaly-polymicrogyria-polydactyly-hydrocephalus syndrome 3. Last evaluated: 2017-12-26. Review status: criteria provided, single submitter. Criteria: ACMG Guidelines, 2015. Collection method: clinical testing. Allele origin: germline. Affected: yes.
Comment: [ACMG/AMP: PS2, PM1, PM2, PS4_Moderate, PP5] This alteration is de novo in origin as it was not detected in the submitted parental specimens (identity confirmed) [PS2], is located in a mutational hotspot and/or critical and well-established functional domain [PM1], is absent from or rarely observed in large-scale population databases [PM2], has previously been observed in multiple unrelated patients with the same phenotype [PS4_Moderate], was reported as a pathogenic/likely pathogenic alteration by a reputable source (ClinVar or other correspondence from a clinical testing laboratory) [PP5].

Yale Center for Mendelian Genomics, Yale University
Classification: Pathogenic for Seizure. Last evaluated: 2021-04-05. Review status: no assertion criteria provided. Collection method: literature only. Allele origin: de novo. Affected: yes. Observed: 1 heterozygote. Study: Yale Center for Mendelian Genomics. Not counted in ClinVar's aggregate classification.

OMIM
Classification: Pathogenic for MEGALENCEPHALY-POLYMICROGYRIA-POLYDACTYLY-HYDROCEPHALUS SYNDROME 3. Last evaluated: 2014-05-01. Review status: no assertion criteria provided. Collection method: literature only. Allele origin: germline. Not counted in ClinVar's aggregate classification.

GeneReviews
No classification provided. Condition: Megalencephaly-polymicrogyria-polydactyly-hydrocephalus syndrome 3. Review status: no classification provided. Collection method: literature only. Allele origin: germline. Affected: yes. Not counted in ClinVar's aggregate classification.

Literature cited by the submitters: PubMed 24705253 (cited by 5 submitters); PubMed 31056854 (cited by Labcorp Genetics (formerly Invitae), Labcorp); PubMed 33818783 (cited by Yale Center for Mendelian Genomics, Yale University); NCBI Bookshelf NBK396098 (cited by GeneReviews).

NM_001759.4(CCND2):c.839C>A (p.Thr280Asn)

Gene: CCND2 (cyclin D2; plus strand). Cytogenetic location: 12p13.32.
Variant type: single nucleotide variant.
Coding change: c.839C>A on transcript NM_001759.4 (MANE Select); coding-DNA position 839, C replaced by A.
Protein change: p.Thr280Asn; replaces threonine 280 with asparagine.
Molecular consequence: missense variant.
Genome position (GRCh38, 1-based): chr12:4,299,978, C>A. VCF-style: chr12-4299978-C-A. GRCh37 (hg19) VCF-style: chr12-4409144-C-A.
Other names: NP_001750.1:p.(Thr280Asn); short protein forms T280N.
Identifiers: ClinVar variation 143983 (VCV000143983.51), dbSNP rs587777620, ClinGen allele CA170551.
Genomic context (GRCh38, chr12:4,299,978, plus strand): 5'-AGTACCGTCAGGACCAACGTGACGGATCCAAGTCGGAGGATGAACTGGACCAAGCCAGCA[C>A]CCCTACAGACGTGCGGGATATCGACCTGTGAGGATGCCAGTTGGGCCGAAAGAGAGAGAC-3'
Protein context (NP_001750.1, residues 270-289): KSEDELDQAS[Thr280Asn]PTDVRDIDL